The following is an entry in ClinVar:

NM_000170.3(GLDC):c.1166C>T (p.Ala389Val)

Gene: GLDC (glycine decarboxylase; minus strand). Cytogenetic location: 9p24.1.
Variant type: single nucleotide variant.
Coding change: c.1166C>T on transcript NM_000170.3 (MANE Select); coding-DNA position 1166, C replaced by T.
Protein change: p.Ala389Val; replaces alanine 389 with valine.
Molecular consequence: missense variant.
Genome position (GRCh38, 1-based): chr9:6,595,109, G>A on the plus strand (C>T on the coding strand, the complement: GLDC is on the minus strand). VCF-style: chr9-6595109-G-A. GRCh37 (hg19) VCF-style: chr9-6595109-G-A.
Other names: short protein forms A389V.
Identifiers: ClinVar variation 11989 (VCV000011989.32), dbSNP rs121964979, ClinGen allele CA256170.

ClinVar aggregate classification (germline): Pathogenic/Likely pathogenic. Review status: criteria provided, multiple submitters, no conflicts (2 of 4 stars). 11 submissions from 11 submitters: Pathogenic (9); Likely pathogenic (1). 1 of the submissions does not count toward it. Last evaluated 2025-12-19.

Conditions:
GLDC-related disorders.
Glycine encephalopathy 1 (GCE1). Identifiers: MedGen CN376801, MONDO:0958179, OMIM 605899.
Inborn genetic diseases. Identifiers: MedGen C0950123, MeSH D030342.
Glycine encephalopathy. Also called: Non-ketotic hyperglycinemia; Nonketotic hyperglycinemia. Identifiers: Orphanet 407, MedGen C0751748, MONDO:0011612, HP:0008288.

Allele frequency attached by ClinVar (database versions not stated): ExAC 0.00003; gnomAD 0.00003; TOPMed 0.00006.
gnomAD v4.1: 25 of 1,605,198 alleles (0.0016%); highest among the groups gnomAD compares: South Asian, 0.0022%; no homozygotes.

Submissions (11):

Labcorp Genetics (formerly Invitae), Labcorp
Classification: Pathogenic for Glycine encephalopathy. Last evaluated: 2025-12-19. Review status: criteria provided, single submitter. Criteria: Invitae Variant Classification Sherloc (09022015). Collection method: clinical testing. Allele origin: germline.
Comment: This sequence change replaces alanine, which is neutral and non-polar, with valine, which is neutral and non-polar, at codon 389 of the GLDC protein (p.Ala389Val). This variant is present in population databases (rs121964979, gnomAD 0.008%). This missense change has been observed in individual(s) with glycine encephalopathy (PMID: 15824356, 16450403, 26179960, 26749113). In at least one individual the data is consistent with being in trans (on the opposite chromosome) from a pathogenic variant. ClinVar contains an entry for this variant (Variation ID: 11989). Invitae Evidence Modeling of protein sequence and biophysical properties (such as structural, functional, and spatial information, amino acid conservation, physicochemical variation, residue mobility, and thermodynamic stability) indicates that this missense variant is expected to disrupt GLDC protein function with a positive predictive value of 95%. Experimental studies have shown that this missense change affects GLDC function (PMID: 15824356, 26179960). For these reasons, this variant has been classified as Pathogenic.

Natera, Inc.
Classification: Pathogenic for Non-ketotic hyperglycinemia. Last evaluated: 2025-09-02. Review status: criteria provided, single submitter. Criteria: Natera Variant Classification Schema (03/2026). Collection method: clinical testing. Allele origin: germline.
Comment: The c.1166C>T variant in GLDC is a missense variant predicted to cause substitution of alanine to valine at amino acid 389. This variant is rare in the general population with a frequency below the threshold expected for the associated phenotype(s). This variant has been observed in one or more individuals affected with the associated recessive disease, as either homozygous or compound heterozygous with a second variant (PMID: 26179960). Additionally, this variant has been observed to segregate in affected family members (PMID: 26179960). Functional studies show that this variant may disrupt protein function (PMID: 26179960). Computational prediction algorithms indicate this variant is likely to affect gene or protein function. Given the available evidence, this variant is classified as Pathogenic.

Institute of Medical Genetics and Applied Genomics, University Hospital Tübingen
Classification: Pathogenic for Glycine encephalopathy 1. Last evaluated: 2024-10-30. Review status: criteria provided, single submitter. Criteria: ACMG Guidelines, 2015. Collection method: clinical testing. Allele origin: germline. Inheritance: Autosomal recessive inheritance. Affected: yes.

Revvity Omics, Revvity
Classification: Pathogenic for Glycine encephalopathy 1. Last evaluated: 2024-08-06. Review status: criteria provided, single submitter. Criteria: ACMG Guidelines, 2015. Collection method: clinical testing. Allele origin: germline.

Fulgent Genetics
Classification: Pathogenic for Glycine encephalopathy 1. Last evaluated: 2024-05-09. Review status: criteria provided, single submitter. Criteria: ACMG Guidelines, 2015. Collection method: clinical testing. Allele origin: germline.

Ambry Genetics
Classification: Pathogenic for Inborn genetic diseases. Last evaluated: 2024-05-07. Review status: criteria provided, single submitter. Criteria: Ambry Variant Classification Scheme 2023. Collection method: clinical testing. Allele origin: germline.
Comment: The c.1166C>T (p.A389V) alteration is located in exon 9 (coding exon 9) of the GLDC gene. This alteration results from a C to T substitution at nucleotide position 1166, causing the alanine (A) at amino acid position 389 to be replaced by a valine (V). Based on data from gnomAD, the T allele has an overall frequency of 0.003% (9/282552) total alleles studied. The highest observed frequency was 0.007% (9/128976) of European (non-Finnish) alleles. This variant has been identified in the homozygous state and/or in conjunction with other GLDC variant(s) in individual(s) with features consistent with autosomal recessive GLDC-related glycine encephalopathy; in at least one instance, the variants were identified in trans (Kure, 2006; Swanson, 2015; Dinopoulos, 2005). This amino acid position is highly conserved in available vertebrate species. This alteration is predicted to be deleterious by in silico analysis. Based on the available evidence, this alteration is classified as pathogenic.

Rady Children's Institute for Genomic Medicine, Rady Children's Hospital San Diego
Classification: Pathogenic for GLYCINE ENCEPHALOPATHY. Last evaluated: 2024-03-13. Review status: criteria provided, single submitter. Criteria: ACMG Guidelines, 2015. Collection method: clinical testing. Allele origin: germline. Affected: yes.
Comment: The c.1166C>T (p.Ala389Val) variant affects a highly conserved amino acid and is predicted by multiple in silico tools to have a deleterious effect on protein function. This variant has been previously reported as a compound heterozygous and homozygous change in individuals with glycine encephalopathy (PMID: 16450403, 26749113, 26179960, 32421718). Functional studies indicate this variant may lead to reduced enzyme activity (PMID: 26179960). The c.1166C>T (p.Ala389Val) variant is present in the heterozygous state in the gnomAD v4 population database at a frequency of 0.002% (25/1605198) and thus is presumed to be rare. Based on the available evidence, c.1166C>T (p.Ala389Val) is classified as Pathogenic.

GeneDx
Classification: Pathogenic. Last evaluated: 2022-04-22. Review status: criteria provided, single submitter. Criteria: GeneDx Variant Classification Process June 2021. Collection method: clinical testing. Allele origin: germline. Affected: yes.
Comment: Homozygous individuals in the literature (Applegarth et al., 2004; Dinopooulos et al., 2005) reported to have milder nonketotic hyperglycinemia phenotype or phenotypic variability; In silico analysis supports that this missense variant has a deleterious effect on protein structure/function; Not observed at a significant frequency in large population cohorts, and no individuals were reported to be homozygous (gnomAD); This variant is associated with the following publications: (PMID: 26179960, 26749113, 15824356, 15272469, 32421718, 27362913, 16450403)

Blueprint Genetics
Classification: Likely pathogenic for GLDC-related disorders. Last evaluated: 2019-03-14. Review status: criteria provided, single submitter. Criteria: ACMG Guidelines, 2015. Collection method: clinical testing. Allele origin: germline. Affected: yes. Observed: 1 variant allele.

Illumina Laboratory Services, Illumina
Classification: Pathogenic for Glycine encephalopathy 1. Last evaluated: 2017-04-27. Review status: criteria provided, single submitter. Criteria: ICSL Variant Classification Criteria 09 May 2019. Collection method: clinical testing. Allele origin: germline.
Comment: Across a selection of the available literature, the GLDC c.1166C>T (p.Ala389Val) variant has been identified 25 patients with glycine encephalopathy, including in a homozygous state in 11 patients and in a compound heterozygous state in 14 patients (Applegarth et al. 2004; Dinopoulos et al. 2005; Kure et al. 2006; Swanson et al. 2015; Coughlin et al. 2016). The variant has also been identified in four unaffected family members (Dinopoulos et al. 2005). The p.Ala389Val variant was absent from 300 controls and is reported at a frequency of 0.00006 in the European (non-Finnish) population of the Exome Aggregation Consortium. The Ala389 residue is conserved. Functional expression studies in COS-7 cells showed that the variant enzyme retained from 7.9% to over 10% of the wild type enzymatic activity which may explain the mild phenotype (Dinopoulos et al. 2005; Swanson et al. 2015). The Ala389 residue is highly conserved. Based on the collective evidence, the p. Ala389Val variant is classified as pathogenic for glycine encephalopathy. This variant was observed by ICSL as part of a predisposition screen in an ostensibly healthy population.

OMIM
Classification: Pathogenic for GLYCINE ENCEPHALOPATHY 1. Last evaluated: 2005-04-12. Review status: no assertion criteria provided. Collection method: literature only. Allele origin: germline. Not counted in ClinVar's aggregate classification.

Literature cited by the submitters: PubMed 15824356 (cited by 4 submitters); PubMed 16450403 (cited by 3 submitters); PubMed 26179960 (cited by 4 submitters); PubMed 26749113 (cited by Labcorp Genetics (formerly Invitae), Labcorp); PubMed 15272469 (cited by Illumina Laboratory Services, Illumina); PubMed 27362913 (cited by Illumina Laboratory Services, Illumina).